The following is an entry in ClinVar:

NM_015046.7(SETX):c.6546+5G>C

Gene: SETX (senataxin; minus strand). Cytogenetic location: 9q34.13.
Variant type: single nucleotide variant.
Coding change: c.6546+5G>C on transcript NM_015046.7 (MANE Select); 5 bases into the intron after coding-DNA position 6546, G replaced by C.
Molecular consequence: intron variant.
Genome position (GRCh38, 1-based): chr9:132,283,259, C>G on the plus strand (G>C on the coding strand, the complement: SETX is on the minus strand). VCF-style: chr9-132283259-C-G. GRCh37 (hg19) VCF-style: chr9-135158646-C-G.
Other names: c.6546+5G>C (NM_001351528.2, NM_001351527.2).
Identifiers: ClinVar variation 994955 (VCV000994955.3), dbSNP rs1564485095, ClinGen allele CA1139661314.
Genomic context (GRCh38, chr9:132,283,259, plus strand): 5'-ACAATTCATCTAAGACTTACTCCTCATAGTAGTAGTCAAAGTTGTATGGCTGACCGTTCA[C>G]TGACCTCATCAACAATGACACAGCTGAAGGGGACACCCCCTTGCCCACGGAAAGCAGACT-3'

ClinVar aggregate classification (germline): Uncertain significance. Review status: criteria provided, multiple submitters, no conflicts (2 of 4 stars). 2 submissions from 2 submitters: Uncertain significance (2). Last evaluated 2022-11-27.

Submissions (2):

GeneDx
Classification: Uncertain significance. Last evaluated: 2022-11-27. Review status: criteria provided, single submitter. Criteria: GeneDx Variant Classification Process June 2021. Collection method: clinical testing. Allele origin: germline. Affected: yes.
Comment: Intronic +5 splice site variant in a gene for which loss of function is a known mechanism of disease, and both splice predictors and evolutionary conservation support a deleterious effect, although in the absence of functional evidence the actual effect of this sequence change is unknown.; Not observed at significant frequency in large population cohorts (gnomAD); A different splice change at this residue (c.6546+5G>T) has been reported in the Human Gene Mutation Database (Stenson et al., 2014); Has not been previously published as pathogenic or benign to our knowledge

Athena Diagnostics
Classification: Uncertain significance. Last evaluated: 2020-12-21. Review status: criteria provided, single submitter. Criteria: Athena Diagnostics criteria. Collection method: clinical testing. Allele origin: unknown.